The following is an entry in ClinVar:

NM_004174.4(SLC9A3):c.2491T>C (p.Ser831Pro)

Genes: SLC9A3-AS1 (SLC9A3 antisense RNA 1; plus strand), SLC9A3 (solute carrier family 9 member A3). Cytogenetic location: 5p15.33.
Variant type: single nucleotide variant.
Coding change: c.2491T>C on transcript NM_004174.4 (MANE Select); coding-DNA position 2491, T replaced by C.
Protein change: p.Ser831Pro; replaces serine 831 with proline.
Molecular consequence: missense variant.
Genome position (GRCh38, 1-based): chr5:474,893, A>G on the plus strand (T>C on the coding strand, the complement: SLC9A3 is on the minus strand). VCF-style: chr5-474893-A-G. GRCh37 (hg19) VCF-style: chr5-475008-A-G.
Other names: c.2464T>C, p.Ser822Pro (NM_001284351.3); short protein forms S822P, S831P.
Identifiers: ClinVar variation 1904457 (VCV001904457.2), dbSNP rs754007631, ClinGen allele CA3175446.

ClinVar aggregate classification (germline): Uncertain significance (1 of 4 stars; one submission).

Allele frequency attached by ClinVar (database versions not stated): gnomAD exomes 0.00002; gnomAD 0.00003; ExAC 0.00006.
gnomAD v4.1: 32 of 1,594,248 alleles (0.002%); highest among the groups gnomAD compares: Non-Finnish European, 0.0027%; no homozygotes.

Submission:

Labcorp Genetics (formerly Invitae), Labcorp
Classification: Uncertain significance. Last evaluated: 2022-04-29. Review status: criteria provided, single submitter. Criteria: Invitae Variant Classification Sherloc (09022015). Collection method: clinical testing. Allele origin: germline.
Comment: This sequence change replaces serine, which is neutral and polar, with proline, which is neutral and non-polar, at codon 831 of the SLC9A3 protein (p.Ser831Pro). This variant is present in population databases (rs754007631, gnomAD 0.002%). This variant has not been reported in the literature in individuals affected with SLC9A3-related conditions. Algorithms developed to predict the effect of missense changes on protein structure and function are either unavailable or do not agree on the potential impact of this missense change (SIFT: "Not Available"; PolyPhen-2: "Possibly Damaging"; Align-GVGD: "Not Available"). In summary, the available evidence is currently insufficient to determine the role of this variant in disease. Therefore, it has been classified as a Variant of Uncertain Significance.